The following is an entry in ClinVar:

ClinVar aggregate classification (germline): Benign (0 of 4 stars; one submission).

Conditions:
Bardet-Biedl syndrome (BBS). Identifiers: Orphanet 110, MedGen C0752166, MONDO:0015229.

Allele frequency attached by ClinVar (database versions not stated): gnomAD exomes below 0.00001.
gnomAD v4.1: 3 of 1,562,572 alleles (0.00019%); highest among the groups gnomAD compares: South Asian, 0.0012%; no homozygotes.

Submission:

GeneReviews
Classification: Benign for Bardet-Biedl Syndrome. Last evaluated: 2009-10-13. Review status: no assertion criteria provided. Collection method: curation. Allele origin: unknown.
ClinVar note: Converted during submission from benign to Benign.

NM_033028.5(BBS4):c.-6G>A

Gene: BBS4 (Bardet-Biedl syndrome 4; plus strand). Cytogenetic location: 15q24.1.
Variant type: single nucleotide variant.
Coding change: c.-6G>A on transcript NM_033028.5 (MANE Select); 6 bases upstream of the start codon, G replaced by A.
Molecular consequence: 5 prime UTR variant. On other transcripts: non-coding transcript variant (2).
Genome position (GRCh38, 1-based): chr15:72,686,222, G>A. VCF-style: chr15-72686222-G-A. GRCh37 (hg19) VCF-style: chr15-72978563-G-A.
Other names: c.-6G/A; c.-475G>A (NM_001252678.2); c.-6G>A (NM_001320665.2).
Identifiers: ClinVar variation 21733 (VCV000021733.3), dbSNP rs367543011, ClinGen allele CA342426.